The following is an entry in ClinVar:

ClinVar aggregate classification (germline): Benign. Review status: criteria provided, multiple submitters, no conflicts (2 of 4 stars). 4 submissions from 4 submitters: Benign (4). Last evaluated 2026-02-03.

Conditions:
Emery-Dreifuss muscular dystrophy 5, autosomal dominant (EDMD5). Also called: EMERY-DREIFUSS MUSCULAR DYSTROPHY 5. Identifiers: Orphanet 261, MedGen C2751805, MONDO:0013072, OMIM 612999.

Allele frequency attached by ClinVar (database versions not stated): ESP Exome Variant Server 0.02291; TOPMed 0.03624; 1000 Genomes Project 0.05671; 1000 Genomes Project 30x 0.05700.
gnomAD v4.1: 25,991 of 1,600,096 alleles (1.6%); highest among the groups gnomAD compares: East Asian, 11%; 878 homozygotes.

Submissions (4):

Labcorp Genetics (formerly Invitae), Labcorp
Classification: Benign for Emery-Dreifuss muscular dystrophy 5, autosomal dominant. Last evaluated: 2026-02-03. Review status: criteria provided, single submitter. Criteria: Invitae Variant Classification Sherloc (09022015). Collection method: clinical testing. Allele origin: germline.

GeneDx
Classification: Benign. Last evaluated: 2018-07-09. Review status: criteria provided, single submitter. Criteria: GeneDx Variant Classification Process June 2021. Collection method: clinical testing. Allele origin: germline. Affected: yes.

Illumina Laboratory Services, Illumina
Classification: Benign for Emery-Dreifuss muscular dystrophy 5, autosomal dominant. Last evaluated: 2018-01-13. Review status: criteria provided, single submitter. Criteria: ICSL Variant Classification Criteria 13 December 2019. Collection method: clinical testing. Allele origin: germline.
Comment: This variant was observed in the ICSL laboratory as part of a predisposition screen in an ostensibly healthy population. It had not been previously curated by ICSL or reported in the Human Gene Mutation Database (HGMD: prior to June 1st, 2018), and was therefore a candidate for classification through an automated scoring system. Utilizing variant allele frequency, disease prevalence and penetrance estimates, and inheritance mode, an automated score was calculated to assess if this variant is too frequent to cause the disease. Based on the score and internal cut-off values, a variant classified as benign is not then subjected to further curation. The score for this variant resulted in a classification of benign for this disease.

Breakthrough Genomics
Classification: Benign. Review status: criteria provided, single submitter. Criteria: ACMG Guidelines, 2015. Collection method: not provided. Allele origin: germline. Inheritance: Autosomal dominant inheritance. Affected: yes.

NM_182914.3(SYNE2):c.12382-14G>T

Gene: SYNE2 (spectrin repeat containing nuclear envelope protein 2; plus strand). Cytogenetic location: 14q23.2.
Variant type: single nucleotide variant.
Coding change: c.12382-14G>T on transcript NM_182914.3 (MANE Select); 14 bases into the intron before coding-DNA position 12382, G replaced by T.
Molecular consequence: intron variant.
Genome position (GRCh38, 1-based): chr14:64,101,918, G>T. VCF-style: chr14-64101918-G-T. GRCh37 (hg19) VCF-style: chr14-64568636-G-T.
Other names: c.12382-14G>T (NM_015180.6).
Identifiers: ClinVar variation 313572 (VCV000313572.14), dbSNP rs77622144, ClinGen allele CA7222135.